The following is an entry in ClinVar:

ClinVar aggregate classification (germline): Pathogenic (1 of 4 stars; one submission).

Submission:

GeneDx
Classification: Pathogenic. Last evaluated: 2018-11-01. Review status: criteria provided, single submitter. Criteria: GeneDx Variant Classification (06012015). Collection method: clinical testing. Allele origin: germline. Affected: yes.
Comment: The Q1286X nonsense variant in the C-terminus of the IQSEC2 gene is predicted to result in protein truncation, as the last 203 amino acids are lost, and other loss-of-function variants have been reported downstream in the Human Gene Mutation Database (Stenson et al., 2014; other references). The Q1286X variant is not observed in large population cohorts (Lek et al., 2016).

NM_001111125.3(IQSEC2):c.3856C>T (p.Gln1286Ter)

Gene: IQSEC2 (IQ motif and Sec7 domain ArfGEF 2; minus strand). Cytogenetic location: Xp11.22.
Variant type: single nucleotide variant.
Coding change: c.3856C>T on transcript NM_001111125.3 (MANE Select); coding-DNA position 3856, C replaced by T.
Protein change: p.Gln1286Ter; replaces glutamine 1286 with a stop codon.
Molecular consequence: nonsense. On other transcripts: 3 prime UTR variant (1).
Genome position (GRCh38, 1-based): chrX:53,234,830, G>A on the plus strand (C>T on the coding strand, the complement: IQSEC2 is on the minus strand). VCF-style: chrX-53234830-G-A. GRCh37 (hg19) VCF-style: chrX-53264012-G-A.
Other names: c.*341C>T (NM_015075.2); short protein forms Q1286*.
Identifiers: ClinVar variation 620190 (VCV000620190.1), dbSNP rs1569291654, ClinGen allele CA413140431.